The following is an entry in ClinVar:

NM_001369.3(DNAH5):c.11436_11437insAGGGTATT (p.Glu3814fs)

Gene: DNAH5 (dynein axonemal heavy chain 5; minus strand). Cytogenetic location: 5p15.2.
Variant type: Insertion.
Coding change: c.11436_11437insAGGGTATT on transcript NM_001369.3 (MANE Select); coding-DNA positions 11436 to 11437, AGGGTATT inserted.
Protein change: p.Glu3814fs; shifts the reading frame from glutamic acid 3814.
Molecular consequence: frameshift variant.
Genome position: GRCh38 VCF-style: chr5-13737270-G-GAATACCCT. GRCh37 (hg19) VCF-style: chr5-13737379-G-GAATACCCT.
Other names: short protein forms E3814fs.
Identifiers: ClinVar variation 5010747 (VCV005010747.1).
Genomic context (GRCh38, chr5:13,737,270, plus strand): 5'-TTTCATTTTCCTGTGACATTTGTCTTTCATTACCAAACTCACCAGGTCTGTATTCCTCCC[G>GAATACCCT]GGCTGAGTTAATTTGAACTTCTGTCTCAGCAGAAATTTCTAGCTTCTGTGTCACCTCCTC-3'

ClinVar aggregate classification (germline): Pathogenic (1 of 4 stars; one submission).

Conditions:
Primary ciliary dyskinesia 3. Identifiers: Orphanet 244, MedGen C1837618, MONDO:0012085, OMIM 608644.

Submission:

Myriad Genetics, Inc.
Classification: Pathogenic for Primary ciliary dyskinesia 3. Last evaluated: 2024-05-14. Review status: criteria provided, single submitter. Criteria: Myriad Autosomal Dominant, Autosomal Recessive and X-Linked Classification Criteria (2023). Collection method: clinical testing. Allele origin: unknown.
Comment: NM_001369.2(DNAH5):c.11436_11437ins8(E3814Vfs*45) is expected to be pathogenic in the context of primary ciliary dyskinesia, DNAH5-related. This variant is predicted to lead to an abnormal or absent protein product due to the creation of a premature termination codon in DNAH5, a gene where loss-of-function variants are known to be pathogenic. Please note: this variant was assessed in the context of healthy population screening.